The following is an entry in ClinVar:

ClinVar aggregate classification (germline): Uncertain significance. Review status: criteria provided, multiple submitters, no conflicts (2 of 4 stars). 2 submissions from 2 submitters: Uncertain significance (2). Last evaluated 2025-12-01.

Conditions:
Treacher Collins syndrome 1 (TCS1). Also called: TCOF1-Related Treacher Collins Syndrome. Identifiers: Orphanet 861, MedGen CN315775, MONDO:0007944, OMIM 154500.

Allele frequency attached by ClinVar (database versions not stated): gnomAD exomes below 0.00001; ExAC 0.00001; TOPMed 0.00003.

Submissions (2):

Labcorp Genetics (formerly Invitae), Labcorp
Classification: Uncertain significance for Treacher Collins syndrome 1. Last evaluated: 2025-12-01. Review status: criteria provided, single submitter. Criteria: Invitae Variant Classification Sherloc (09022015). Collection method: clinical testing. Allele origin: germline.
Comment: This sequence change replaces methionine, which is neutral and non-polar, with isoleucine, which is neutral and non-polar, at codon 190 of the TCOF1 protein (p.Met190Ile). This variant is present in population databases (rs768805367, gnomAD 0.01%). This variant has not been reported in the literature in individuals affected with TCOF1-related conditions. ClinVar contains an entry for this variant (Variation ID: 3004011). Invitae Evidence Modeling of protein sequence and biophysical properties (such as structural, functional, and spatial information, amino acid conservation, physicochemical variation, residue mobility, and thermodynamic stability) indicates that this missense variant is not expected to disrupt TCOF1 protein function with a negative predictive value of 80%. In summary, the available evidence is currently insufficient to determine the role of this variant in disease. Therefore, it has been classified as a Variant of Uncertain Significance.

Department of Pathology and Laboratory Medicine, Sinai Health System
Classification: Uncertain significance for Treacher Collins syndrome 1. Last evaluated: 2022-09-06. Review status: criteria provided, single submitter. Criteria: ACMG Guidelines, 2015. Collection method: research. Allele origin: germline.

NM_001371623.1(TCOF1):c.570G>A (p.Met190Ile)

Gene: TCOF1 (treacle ribosome biogenesis factor 1; plus strand). Cytogenetic location: 5q32.
Variant type: single nucleotide variant.
Coding change: c.570G>A on transcript NM_001371623.1 (MANE Select); coding-DNA position 570, G replaced by A.
Protein change: p.Met190Ile; replaces methionine 190 with isoleucine.
Molecular consequence: missense variant.
Genome position (GRCh38, 1-based): chr5:150,369,533, G>A. VCF-style: chr5-150369533-G-A. GRCh37 (hg19) VCF-style: chr5-149749096-G-A.
Other names: c.570G>A, p.Met190Ile (NM_000356.4, NM_001008657.3, NM_001135243.2 and 3 more transcripts); short protein forms M190I.
Identifiers: ClinVar variation 3004011 (VCV003004011.4), dbSNP rs768805367, ClinGen allele CA3510603.
Genomic context (GRCh38, chr5:150,369,533, plus strand): 5'-GGGGCAGGTGAGGCTGGAAAGGGAGTCCCTCAGTCCCCTCCGTGTCCGATCCTCAGGGAT[G>A]GTGTCAGCGGGCCAGGCCGACAGCTCCAGCGAGGACACCTCCAGCTCCAGTGATGAGACA-3'
Protein context (NP_001358552.1, residues 180-200): PAFGAAAKPG[Met190Ile]VSAGQADSSS